The following is an entry in ClinVar:

NM_002292.4(LAMB2):c.3016C>T (p.Gln1006Ter)

Gene: LAMB2 (laminin subunit beta 2; minus strand). Cytogenetic location: 3p21.31.
Variant type: single nucleotide variant.
Coding change: c.3016C>T on transcript NM_002292.4 (MANE Select); coding-DNA position 3016, C replaced by T.
Protein change: p.Gln1006Ter; replaces glutamine 1006 with a stop codon.
Molecular consequence: nonsense.
Genome position (GRCh38, 1-based): chr3:49,124,794, G>A on the plus strand (C>T on the coding strand, the complement: LAMB2 is on the minus strand). VCF-style: chr3-49124794-G-A. GRCh37 (hg19) VCF-style: chr3-49162227-G-A.
Other names: short protein forms Q1006*.
Identifiers: ClinVar variation 3757401 (VCV003757401.2).

ClinVar aggregate classification (germline): Pathogenic (1 of 4 stars; one submission).

Conditions:
LAMB2-related infantile-onset nephrotic syndrome. Also called: NEPHROTIC SYNDROME, TYPE 5, WITHOUT OCULAR ABNORMALITIES; NEPHROTIC SYNDROME, TYPE 5, WITH OCULAR ABNORMALITIES; Nephrotic Syndrome, type 5. Identifiers: Orphanet 306507, MedGen C3280113, MONDO:0013621, OMIM 614199.
Pierson syndrome. Also called: MICROCORIA-CONGENITAL NEPHROTIC SYNDROME. Identifiers: Orphanet 2670, MedGen C1836876, MONDO:0012184, OMIM 609049.

Submission:

Labcorp Genetics (formerly Invitae), Labcorp
Classification: Pathogenic for LAMB2-related infantile-onset nephrotic syndrome; Pierson syndrome. Last evaluated: 2024-07-24. Review status: criteria provided, single submitter. Criteria: Invitae Variant Classification Sherloc (09022015). Collection method: clinical testing. Allele origin: germline.
Comment: This sequence change creates a premature translational stop signal (p.Gln1006*) in the LAMB2 gene. It is expected to result in an absent or disrupted protein product. Loss-of-function variants in LAMB2 are known to be pathogenic (PMID: 15367484). This variant is not present in population databases (gnomAD no frequency). This variant has not been reported in the literature in individuals affected with LAMB2-related conditions. Algorithms developed to predict the effect of sequence changes on RNA splicing suggest that this variant may create or strengthen a splice site. For these reasons, this variant has been classified as Pathogenic.

Literature cited by the submitters: PubMed 15367484.